The following is an entry in ClinVar:

NM_133497.4(KCNV2):c.220G>C (p.Glu74Gln)

Gene: KCNV2 (potassium voltage-gated channel modifier subfamily V member 2; plus strand). Cytogenetic location: 9p24.2.
Variant type: single nucleotide variant.
Coding change: c.220G>C on transcript NM_133497.4 (MANE Select); coding-DNA position 220, G replaced by C.
Protein change: p.Glu74Gln; replaces glutamic acid 74 with glutamine.
Molecular consequence: missense variant.
Genome position (GRCh38, 1-based): chr9:2,717,959, G>C. VCF-style: chr9-2717959-G-C. GRCh37 (hg19) VCF-style: chr9-2717959-G-C.
Other names: short protein forms E74Q.
Identifiers: ClinVar variation 2017804 (VCV002017804.1), dbSNP rs756949524, ClinGen allele CA4965374.
Genomic context (GRCh38, chr9:2,717,959, plus strand): 5'-TACATCGAGGAAGACGAAGACGGCGAGGAGGAGGACCAGTGGAAGGACGACCTGGCAGAA[G>C]AGGACCAGCAGGCAGGGGAGGTCACCACCGCCAAGCCCGAGGGCCCCAGCGACCCTCCGG-3'
Protein context (NP_598004.1, residues 64-84): EDQWKDDLAE[Glu74Gln]DQQAGEVTTA

ClinVar aggregate classification (germline): Uncertain significance (1 of 4 stars; one submission).

gnomAD v4.1: 5 of 1,614,196 alleles (0.00031%); highest among the groups gnomAD compares: Admixed American, 0.0017%; no homozygotes.

Submission:

Labcorp Genetics (formerly Invitae), Labcorp
Classification: Uncertain significance. Last evaluated: 2021-09-24. Review status: criteria provided, single submitter. Criteria: Invitae Variant Classification Sherloc (09022015). Collection method: clinical testing. Allele origin: germline.
Comment: This sequence change replaces glutamic acid with glutamine at codon 74 of the KCNV2 protein (p.Glu74Gln). The glutamic acid residue is moderately conserved and there is a small physicochemical difference between glutamic acid and glutamine. This variant is present in population databases (rs756949524, ExAC 0.002%). This variant has not been reported in the literature in individuals affected with KCNV2-related conditions. Advanced modeling of protein sequence and biophysical properties (such as structural, functional, and spatial information, amino acid conservation, physicochemical variation, residue mobility, and thermodynamic stability) performed at Invitae indicates that this missense variant is not expected to disrupt KCNV2 protein function. In summary, the available evidence is currently insufficient to determine the role of this variant in disease. Therefore, it has been classified as a Variant of Uncertain Significance.